The following is an entry in ClinVar:

NM_000512.5(GALNS):c.236G>C (p.Cys79Ser)

Gene: GALNS (galactosamine (N-acetyl)-6-sulfatase; minus strand). Cytogenetic location: 16q24.3.
Variant type: single nucleotide variant.
Coding change: c.236G>C on transcript NM_000512.5 (MANE Select); coding-DNA position 236, G replaced by C.
Protein change: p.Cys79Ser; replaces cysteine 79 with serine.
Molecular consequence: missense variant. On other transcripts: intron variant (1).
Genome position (GRCh38, 1-based): chr16:88,842,714, C>G on the plus strand (G>C on the coding strand, the complement: GALNS is on the minus strand). VCF-style: chr16-88842714-C-G. GRCh37 (hg19) VCF-style: chr16-88909122-C-G.
Other names: c.254G>C, p.Cys85Ser (NM_001323544.2); c.-311-743G>C (NM_001323543.2); short protein forms C79S, C85S.
Identifiers: ClinVar variation 3637121 (VCV003637121.2).
Genomic context (GRCh38, chr16:88,842,714, plus strand): 5'-CTCGGCCTGTTGGGCTCACCCCTTCCTGGGGGCGAGGGCCCCGCTGACTTACATGGCGAG[C>G]ACAGAGGGTTGGCAGAATAGAAGTTTGGGAAAAGCAGCCCTTCTGCAGCCATCCGGTCCA-3'
Protein context (NP_000503.1, residues 69-89): FPNFYSANPL[Cys79Ser]SPSRAALLTG

ClinVar aggregate classification (germline): Likely pathogenic (1 of 4 stars; one submission).

Conditions:
Mucopolysaccharidosis, MPS-IV-A (MPS4A). Also called: Morquio syndrome A, mild; MORQUIO SYNDROME A; GALACTOSAMINE-6-SULFATASE DEFICIENCY; GALNS DEFICIENCY; MORQUIO A DISEASE; Mucopolysaccharidosis type IV A. Identifiers: Orphanet 309297, Orphanet 582, MedGen C0086651, MONDO:0009659, OMIM 253000.

Submission:

Labcorp Genetics (formerly Invitae), Labcorp
Classification: Likely pathogenic for Mucopolysaccharidosis, MPS-IV-A. Last evaluated: 2024-11-27. Review status: criteria provided, single submitter. Criteria: Invitae Variant Classification Sherloc (09022015). Collection method: clinical testing. Allele origin: germline.
Comment: This sequence change replaces cysteine, which is neutral and slightly polar, with serine, which is neutral and polar, at codon 79 of the GALNS protein (p.Cys79Ser). This variant is not present in population databases (gnomAD no frequency). This variant has not been reported in the literature in individuals affected with GALNS-related conditions. Invitae Evidence Modeling of protein sequence and biophysical properties (such as structural, functional, and spatial information, amino acid conservation, physicochemical variation, residue mobility, and thermodynamic stability) indicates that this missense variant is expected to disrupt GALNS protein function with a positive predictive value of 95%. Experimental studies have shown that this missense change affects GALNS function (PMID: 10814710). This variant disrupts the p.Cys79 amino acid residue in GALNS. Other variant(s) that disrupt this residue have been determined to be pathogenic (PMID: 25252036, 31200731). This suggests that this residue is clinically significant, and that variants that disrupt this residue are likely to be disease-causing. In summary, the currently available evidence indicates that the variant is pathogenic, but additional data are needed to prove that conclusively. Therefore, this variant has been classified as Likely Pathogenic.

Literature cited by the submitters: PubMed 10814710; PubMed 25252036; PubMed 31200731.